The following is an entry in ClinVar:

NM_006231.4(POLE):c.6727G>T (p.Ala2243Ser)

Gene: POLE (DNA polymerase epsilon, catalytic subunit; minus strand). Cytogenetic location: 12q24.33.
Variant type: single nucleotide variant.
Coding change: c.6727G>T on transcript NM_006231.4 (MANE Select); coding-DNA position 6727, G replaced by T.
Protein change: p.Ala2243Ser; replaces alanine 2243 with serine.
Molecular consequence: missense variant.
Genome position (GRCh38, 1-based): chr12:132,624,925, C>A on the plus strand (G>T on the coding strand, the complement: POLE is on the minus strand). VCF-style: chr12-132624925-C-A. GRCh37 (hg19) VCF-style: chr12-133201511-C-A.
Other names: short protein forms A2243S.
Identifiers: ClinVar variation 3422121 (VCV003422121.4).

ClinVar aggregate classification (germline): Conflicting classifications of pathogenicity. Review status: criteria provided, conflicting classifications (1 of 4 stars). 3 submissions from 3 submitters: Uncertain significance (2); Likely benign (1). Last evaluated 2024-11-03.

Conditions:
Hereditary cancer-predisposing syndrome. Also called: Tumor predisposition; Neoplastic Syndromes, Hereditary; Hereditary Cancer Syndrome; Hereditary neoplastic syndrome. Identifiers: Orphanet 140162, MedGen C0027672, MeSH D009386, MONDO:0015356.

gnomAD v4.1: 5 of 1,613,908 alleles (0.00031%); highest among the groups gnomAD compares: South Asian, 0.0011%; no homozygotes.

Submissions (3):

Labcorp Genetics (formerly Invitae), Labcorp
Classification: Uncertain significance. Last evaluated: 2024-11-03. Review status: criteria provided, single submitter. Criteria: Invitae Variant Classification Sherloc (09022015). Collection method: clinical testing. Allele origin: germline.
Comment: This sequence change replaces alanine, which is neutral and non-polar, with serine, which is neutral and polar, at codon 2243 of the POLE protein (p.Ala2243Ser). This variant is present in population databases (no rsID available, gnomAD 0.003%). This variant has not been reported in the literature in individuals affected with POLE-related conditions. Invitae Evidence Modeling of protein sequence and biophysical properties (such as structural, functional, and spatial information, amino acid conservation, physicochemical variation, residue mobility, and thermodynamic stability) indicates that this missense variant is not expected to disrupt POLE protein function with a negative predictive value of 80%. In summary, the available evidence is currently insufficient to determine the role of this variant in disease. Therefore, it has been classified as a Variant of Uncertain Significance.

Ambry Genetics
Classification: Uncertain significance for Hereditary cancer-predisposing syndrome. Last evaluated: 2024-07-25. Review status: criteria provided, single submitter. Criteria: Ambry Variant Classification Scheme 2023. Collection method: clinical testing. Allele origin: germline.
Comment: The p.A2243S variant (also known as c.6727G>T), located in coding exon 48 of the POLE gene, results from a G to T substitution at nucleotide position 6727. The alanine at codon 2243 is replaced by serine, an amino acid with similar properties. This amino acid position is conserved. In addition, this alteration is predicted to be tolerated by in silico analysis. Based on the available evidence, the clinical significance of this variant remains unclear.

Blueprint Genetics
Classification: Likely benign. Last evaluated: 2021-02-24. Review status: criteria provided, single submitter. Criteria: ACMG Guidelines, 2015. Collection method: clinical testing. Allele origin: germline.